The following is an entry in ClinVar:

NM_001159773.2(CANT1):c.967G>A (p.Ala323Thr)

Gene: CANT1 (calcium activated nucleotidase 1; minus strand). Cytogenetic location: 17q25.3.
Variant type: single nucleotide variant.
Coding change: c.967G>A on transcript NM_001159773.2 (MANE Select); coding-DNA position 967, G replaced by A.
Protein change: p.Ala323Thr; replaces alanine 323 with threonine.
Molecular consequence: missense variant.
Genome position (GRCh38, 1-based): chr17:78,993,789, C>T on the plus strand (G>A on the coding strand, the complement: CANT1 is on the minus strand). VCF-style: chr17-78993789-C-T. GRCh37 (hg19) VCF-style: chr17-76989871-C-T.
Other names: c.967G>A, p.Ala323Thr (NM_001159772.2, NM_138793.4); short protein forms A323T.
Identifiers: ClinVar variation 325697 (VCV000325697.25), dbSNP rs9903215, ClinGen allele CA8808552.

ClinVar aggregate classification (germline): Benign/Likely benign. Review status: criteria provided, multiple submitters, no conflicts (2 of 4 stars). 5 submissions from 5 submitters: Benign (2); Likely benign (3). Last evaluated 2026-02-01.

Conditions:
Desbuquois dysplasia 1 (DBQD1). Also called: MICROMELIC DWARFISM WITH VERTEBRAL AND METAPHYSEAL ABNORMALITIES AND ADVANCED CARPOTARSAL OSSIFICATION; DESBUQUOIS DYSPLASIA 1, KIM VARIANT. Identifiers: Orphanet 1425, MedGen C4012146, MONDO:0009629, OMIM 251450.

Allele frequency attached by ClinVar (database versions not stated): ExAC 0.00321; gnomAD 0.01016 and 0.01090; ESP Exome Variant Server 0.01123; TOPMed 0.01123; 1000 Genomes Project 0.01158; 1000 Genomes Project 30x 0.01265.
gnomAD v4.1: 3,137 of 1,611,790 alleles (0.19%); highest among the groups gnomAD compares: African/African-American, 3.5%; 50 homozygotes.

Submissions (5):

Labcorp Genetics (formerly Invitae), Labcorp
Classification: Benign. Last evaluated: 2026-02-01. Review status: criteria provided, single submitter. Criteria: Invitae Variant Classification Sherloc (09022015). Collection method: clinical testing. Allele origin: germline.

ARUP Laboratories, Molecular Genetics and Genomics, ARUP Laboratories
Classification: Benign. Last evaluated: 2025-05-23. Review status: criteria provided, single submitter. Criteria: ARUP Molecular Germline Variant Investigation Process 2024. Collection method: clinical testing. Allele origin: germline.

Center for Pediatric Genomic Medicine, Children's Mercy Hospital and Clinics
Classification: Likely benign. Last evaluated: 2017-06-14. Review status: criteria provided, single submitter. Criteria: ACMG Guidelines, 2015. Collection method: clinical testing. Allele origin: germline.

Illumina Laboratory Services, Illumina
Classification: Likely benign for Desbuquois dysplasia 1. Last evaluated: 2017-04-27. Review status: criteria provided, single submitter. Criteria: ICSL Variant Classification Criteria 13 December 2019. Collection method: clinical testing. Allele origin: germline.
Comment: This variant was observed as part of a predisposition screen in an ostensibly healthy population. A literature search was performed for the gene, cDNA change, and amino acid change (where applicable). No publications were found based on this search. Allele frequency data from public databases allowed determination this variant is unlikely to cause disease. Therefore, this variant is classified as likely benign.

Breakthrough Genomics
Classification: Likely benign. Review status: criteria provided, single submitter. Criteria: ACMG Guidelines, 2015. Collection method: not provided. Allele origin: germline. Inheritance: Autosomal recessive inheritance. Affected: yes.